The following is an entry in ClinVar:

NM_001199267.2(DGKZ):c.2582G>C (p.Cys861Ser)

Gene: DGKZ (diacylglycerol kinase zeta; plus strand). Cytogenetic location: 11p11.2.
Variant type: single nucleotide variant.
Coding change: c.2582G>C on transcript NM_001199267.2 (MANE Select); coding-DNA position 2582, G replaced by C.
Protein change: p.Cys861Ser; replaces cysteine 861 with serine.
Molecular consequence: missense variant.
Genome position (GRCh38, 1-based): chr11:46,379,480, G>C. VCF-style: chr11-46379480-G-C. GRCh37 (hg19) VCF-style: chr11-46401030-G-C.
Other names: c.3149G>C, p.Cys1050Ser (NM_001105540.2); c.2600G>C, p.Cys867Ser (NM_001199266.2); c.2516G>C, p.Cys839Ser (NM_001199268.2); c.2585G>C, p.Cys862Ser (NM_003646.4); c.2633G>C, p.Cys878Ser (NM_201532.3); c.2597G>C, p.Cys866Ser (NM_201533.3); short protein forms C862S, C867S, C1050S, C839S, C866S, C861S, C878S.
Identifiers: ClinVar variation 2084380 (VCV002084380.6), dbSNP rs201294001, ClinGen allele CA5963363.

ClinVar aggregate classification (germline): Uncertain significance. Review status: criteria provided, multiple submitters, no conflicts (2 of 4 stars). 2 submissions from 2 submitters: Uncertain significance (2). Last evaluated 2026-01-05.

Allele frequency attached by ClinVar (database versions not stated): ExAC 0.00003; gnomAD 0.00009; gnomAD exomes 0.00012; 1000 Genomes Project 30x 0.00016; TOPMed 0.00017; 1000 Genomes Project 0.00020.
gnomAD v4.1: 187 of 1,610,634 alleles (0.012%); highest among the groups gnomAD compares: Middle Eastern, 0.05%; 2 homozygotes.

Submissions (2):

Labcorp Genetics (formerly Invitae), Labcorp
Classification: Uncertain significance. Last evaluated: 2026-01-05. Review status: criteria provided, single submitter. Criteria: Invitae Variant Classification Sherloc (09022015). Collection method: clinical testing. Allele origin: germline.
Comment: This sequence change replaces cysteine, which is neutral and slightly polar, with serine, which is neutral and polar, at codon 1050 of the DGKZ protein (p.Cys1050Ser). This variant is present in population databases (rs201294001, gnomAD 0.01%). This variant has not been reported in the literature in individuals affected with DGKZ-related conditions. ClinVar contains an entry for this variant (Variation ID: 2084380). An algorithm developed to predict the effect of missense changes on protein structure and function outputs the following: PolyPhen-2: "Benign". The serine amino acid residue is found in multiple mammalian species, which suggests that this missense change does not adversely affect protein function. In summary, the available evidence is currently insufficient to determine the role of this variant in disease. Therefore, it has been classified as a Variant of Uncertain Significance.

Ambry Genetics
Classification: Uncertain significance. Last evaluated: 2024-10-01. Review status: criteria provided, single submitter. Criteria: Ambry Variant Classification Scheme 2023. Collection method: clinical testing. Allele origin: germline.